The following is an entry in ClinVar:

NM_007050.6(PTPRT):c.3745A>G (p.Thr1249Ala)

Gene: PTPRT (protein tyrosine phosphatase receptor type T; minus strand). Cytogenetic location: 20q12.
Variant type: single nucleotide variant.
Coding change: c.3745A>G on transcript NM_007050.6 (MANE Select); coding-DNA position 3745, A replaced by G.
Protein change: p.Thr1249Ala; replaces threonine 1249 with alanine.
Molecular consequence: missense variant.
Genome position (GRCh38, 1-based): chr20:42,098,522, T>C on the plus strand (A>G on the coding strand, the complement: PTPRT is on the minus strand). VCF-style: chr20-42098522-T-C. GRCh37 (hg19) VCF-style: chr20-40727162-T-C.
Other names: c.3802A>G, p.Thr1268Ala (NM_133170.4); short protein forms T1249A, T1268A.
Identifiers: ClinVar variation 737495 (VCV000737495.6), dbSNP rs138377903, ClinGen allele CA9863770.
Genomic context (GRCh38, chr20:42,098,522, plus strand): 5'-AGTTGTAATCGAACACCAGCCTCCAGAAGTCTGCCACGGTGTTGGGTAGAGGGTGCTGGG[T>C]GACCACGAAGGCGGCAGGCTGCTTGTGGCTCTGACAAAGGAATGACACAGGCTTCGTAAA-3'
Protein context (NP_008981.4, residues 1239-1259): SHKQPAAFVV[Thr1249Ala]QHPLPNTVAD

ClinVar aggregate classification (germline): Likely benign. Review status: criteria provided, multiple submitters, no conflicts (2 of 4 stars). 3 submissions from 3 submitters: Likely benign (2). 1 of the submissions does not count toward it. Last evaluated 2018-05-02.

Conditions:
PTPRT-related disorder. Also called: PTPRT-related condition.

Allele frequency attached by ClinVar (database versions not stated): gnomAD exomes 0.00018 and 0.00047; ExAC 0.00058; gnomAD 0.00167 and 0.00180; TOPMed 0.00180; ESP Exome Variant Server 0.00181; 1000 Genomes Project 0.00240; 1000 Genomes Project 30x 0.00265.
gnomAD v4.1: 518 of 1,614,168 alleles (0.032%); highest among the groups gnomAD compares: African/African-American, 0.64%; 1 homozygote.

Submissions (3):

Labcorp Genetics (formerly Invitae), Labcorp
Classification: Likely benign. Last evaluated: 2018-05-02. Review status: criteria provided, single submitter. Criteria: Invitae Variant Classification Sherloc (09022015). Collection method: clinical testing. Allele origin: germline.

Breakthrough Genomics
Classification: Likely benign. Review status: criteria provided, single submitter. Criteria: ACMG Guidelines, 2015. Collection method: not provided. Allele origin: germline. Inheritance: Unknown mechanism. Affected: yes.

PreventionGenetics, part of Exact Sciences
Classification: Likely benign for PTPRT-related condition. Last evaluated: 2019-08-22. Review status: no assertion criteria provided. Collection method: clinical testing. Allele origin: germline. Not counted in ClinVar's aggregate classification.
Comment: This variant is classified as likely benign based on ACMG/AMP sequence variant interpretation guidelines (Richards et al. 2015 PMID: 25741868, with internal and published modifications).